The following is an entry in ClinVar:

ClinVar aggregate classification (germline): Likely benign (1 of 4 stars; one submission).

Conditions:
Marfan syndrome (MFS). Also called: MARFAN SYNDROME, TYPE I; Marfan syndrome type 1; Marfan's syndrome; Marfan syndrome, classic; FBN1-Related Marfan Syndrome. Identifiers: Orphanet 284963, Orphanet 558, MedGen C0024796, MONDO:0007947, OMIM 154700.

Allele frequency attached by ClinVar (database versions not stated): gnomAD exomes below 0.00001.
gnomAD v4.1: 1 of 1,613,784 alleles (0.000062%); highest among the groups gnomAD compares: Non-Finnish European, 0.000085%; no homozygotes.

Submission:

All of Us Research Program, National Institutes of Health
Classification: Likely benign for Marfan syndrome. Last evaluated: 2023-02-24. Review status: criteria provided, single submitter. Criteria: ACMG Guidelines, 2015. Collection method: clinical testing. Allele origin: germline. Inheritance: Autosomal dominant inheritance. Observed: 1 variant allele, 1 heterozygote.
Comment: This study involves interpretation of variants in research participants for the purpose of population health screening. Participant phenotype was not available at the time of variant classification. Additional details can be found in publication PMID: 35346344, PMCID: PMC8962531

NM_000138.5(FBN1):c.2540-9C>T

Gene: FBN1 (fibrillin 1; minus strand). Cytogenetic location: 15q21.1.
Variant type: single nucleotide variant.
Coding change: c.2540-9C>T on transcript NM_000138.5 (MANE Select); 9 bases into the intron before coding-DNA position 2540, C replaced by T.
Molecular consequence: intron variant.
Genome position (GRCh38, 1-based): chr15:48,495,269, G>A on the plus strand (C>T on the coding strand, the complement: FBN1 is on the minus strand). VCF-style: chr15-48495269-G-A. GRCh37 (hg19) VCF-style: chr15-48787466-G-A.
Other names: c.2540-9C>T (NM_001406716.1).
Identifiers: ClinVar variation 3069716 (VCV003069716.1), dbSNP rs2505571297, ClinGen allele CA2575717335.
Genomic context (GRCh38, chr15:48,495,269, plus strand): 5'-ATCTCACATCGCCCATCAATGACAGTCTGCCAGCAAGTGCCCTTGATGGTTTCTGCAGAG[G>A]AGGGAATAATATTTAATAGAATCTATATAAAAATTCAAACATACACCTTGGAATTATAGA-3'